The following is an entry in ClinVar:

ClinVar aggregate classification (germline): Uncertain significance (1 of 4 stars; one submission).

Submission:

Women's Health and Genetics/Laboratory Corporation of America, LabCorp
Classification: Uncertain significance. Last evaluated: 2024-03-08. Review status: criteria provided, single submitter. Criteria: LabCorp Variant Classification Summary - May 2015. Collection method: clinical testing. Allele origin: germline.
Comment: Variant summary: ACAN c.358G>A (p.Val120Ile) results in a conservative amino acid change in the encoded protein sequence. Five of five in-silico tools predict a benign effect of the variant on protein function. The variant was absent in 248856 control chromosomes (gnomAD). The available data on variant occurrences in the general population are insufficient to allow any conclusion about variant significance. To our knowledge, no occurrence of c.358G>A in individuals affected with ACAN-Related Disorders and no experimental evidence demonstrating its impact on protein function have been reported. No submitters have cited clinical-significance assessments for this variant to ClinVar. Based on the evidence outlined above, the variant was classified as uncertain significance.

NM_001369268.1(ACAN):c.358G>A (p.Val120Ile)

Gene: ACAN (aggrecan; plus strand). Cytogenetic location: 15q26.1.
Variant type: single nucleotide variant.
Coding change: c.358G>A on transcript NM_001369268.1 (MANE Select); coding-DNA position 358, G replaced by A.
Protein change: p.Val120Ile; replaces valine 120 with isoleucine.
Molecular consequence: missense variant.
Genome position (GRCh38, 1-based): chr15:88,838,950, G>A. VCF-style: chr15-88838950-G-A. GRCh37 (hg19) VCF-style: chr15-89382181-G-A.
Other names: c.358G>A, p.Val120Ile (NM_001135.4, NM_001411096.1, NM_001411097.1 and 1 more transcripts); short protein forms V120I.
Identifiers: ClinVar variation 3233562 (VCV003233562.2), dbSNP rs550721325, ClinGen allele CA393716279.